The following is an entry in ClinVar:

ClinVar aggregate classification (germline): Uncertain significance (1 of 4 stars; one submission).

Conditions:
Lymphatic malformation 6 (LMPHM6). Also called: GENERALIZED LYMPHATIC DYSPLASIA OF FOTIOU; Lymphedema, hereditary, III; PIEZO1-related generalized lymphatic dysplasia with non-immune hydrops fetalis. Identifiers: Orphanet 568062, MedGen C4225184, MONDO:0014797, OMIM 616843.

Allele frequency attached by ClinVar (database versions not stated): gnomAD exomes 0.00007; 1000 Genomes Project 0.00020; gnomAD 0.00003; 1000 Genomes Project 30x 0.00016; TOPMed 0.00005.

Submission:

Clinical Genomics Laboratory, Washington University in St. Louis
Classification: Uncertain significance for Lymphatic malformation 6. Last evaluated: 2024-02-05. Review status: criteria provided, single submitter. Criteria: ACMG Guidelines, 2015. Collection method: clinical testing. Allele origin: germline.
Comment: A PIEZO1 c.2578G>A (p.Val860Met) variant was identified at a heterozygous allelic fraction of 50.6%, a frequency which may be consistent with germline origin. This variant has been reported in a patient with hereditary spherocytosis (Mansour-Hendili L et al., PMID: 32641076). It is only observed on 100/1,549,866 alleles in the general population (gnomAD v.4.0.0), indicating it is not a common variant. Computational predictors suggest that the variant does not impact PIEZO1 function. Due to limited information, and based on ACMG/AMP guidelines for variant interpretation (Richards S et al., PMID: 25741868), the clinical significance of this variant is uncertain at this time.

NM_001142864.4(PIEZO1):c.2578G>A (p.Val860Met)

Genes: HSALR1 (HSP90AB1 associated lncRNA 1; plus strand), PIEZO1 (piezo type mechanosensitive ion channel component 1 (Er blood group); minus strand). Cytogenetic location: 16q24.3.
Variant type: single nucleotide variant.
Coding change: c.2578G>A on transcript NM_001142864.4 (MANE Select); coding-DNA position 2578, G replaced by A.
Protein change: p.Val860Met; replaces valine 860 with methionine.
Molecular consequence: missense variant.
Genome position (GRCh38, 1-based): chr16:88,733,364, C>T on the plus strand (G>A on the coding strand, the complement: PIEZO1 is on the minus strand). VCF-style: chr16-88733364-C-T. GRCh37 (hg19) VCF-style: chr16-88799772-C-T.
Other names: c.1120G>A, p.Val374Met (NM_014745.1); short protein forms V374M, V860M.
Identifiers: ClinVar variation 3237395 (VCV003237395.1), dbSNP rs532390680.